The following is an entry in ClinVar:

ClinVar aggregate classification (germline): Conflicting classifications of pathogenicity. Review status: criteria provided, conflicting classifications (1 of 4 stars). 3 submissions from 3 submitters: Uncertain significance (2); Likely benign (1). Last evaluated 2025-07-29.

Conditions:
Leukoencephalopathy with mild cerebellar ataxia and white matter edema (LKPAT). Also called: Leukoencephalopathy with white matter edema; Brain white matter edema; CLCN2-Related Leukoencephalopathy; Leukoencephalopathy with ataxia. Identifiers: Orphanet 363540, MedGen C4554120, MONDO:0014292, OMIM 615651. Disease mechanism: loss of function.
Familial hyperaldosteronism type II. Also called: FH II. Identifiers: Orphanet 404, MedGen C1854107, MONDO:0011576, OMIM 605635.
Epilepsy, idiopathic generalized, susceptibility to, 11 (EIG11). Identifiers: Orphanet 307, MedGen C2750893, MONDO:0011875, OMIM 607628.

Allele frequency attached by ClinVar (database versions not stated): gnomAD exomes 0.00002; ExAC 0.00004; gnomAD 0.00004; TOPMed 0.00005.
gnomAD v4.1: 33 of 1,613,532 alleles (0.002%); highest among the groups gnomAD compares: Middle Eastern, 0.016%; no homozygotes.

Submissions (3):

Labcorp Genetics (formerly Invitae), Labcorp
Classification: Uncertain significance. Last evaluated: 2025-07-29. Review status: criteria provided, single submitter. Criteria: Invitae Variant Classification Sherloc (09022015). Collection method: clinical testing. Allele origin: germline.
Comment: This sequence change falls in intron 1 of the CLCN2 gene. It does not directly change the encoded amino acid sequence of the CLCN2 protein. It affects a nucleotide within the consensus splice site. This variant is present in population databases (rs758326249, gnomAD 0.007%). This variant has not been reported in the literature in individuals affected with CLCN2-related conditions. ClinVar contains an entry for this variant (Variation ID: 1958391). Variants that disrupt the consensus splice site are a relatively common cause of aberrant splicing (PMID: 17576681, 9536098). Algorithms developed to predict the effect of sequence changes on RNA splicing suggest that this variant is not likely to affect RNA splicing. In summary, the available evidence is currently insufficient to determine the role of this variant in disease. Therefore, it has been classified as a Variant of Uncertain Significance.

Mayo Clinic Laboratories, Mayo Clinic
Classification: Likely benign. Last evaluated: 2025-07-09. Review status: criteria provided, single submitter. Criteria: ACMG Guidelines, 2015. Collection method: clinical testing. Allele origin: germline. Observed: 1 variant allele.
Comment: BP4, BP7

Fulgent Genetics
Classification: Uncertain significance for Familial hyperaldosteronism type II; Epilepsy, idiopathic generalized, susceptibility to, 11; Leukoencephalopathy with mild cerebellar ataxia and white matter edema. Last evaluated: 2024-05-08. Review status: criteria provided, single submitter. Criteria: ACMG Guidelines, 2015. Collection method: clinical testing. Allele origin: germline.

Literature cited by the submitters: PubMed 17576681 (cited by Labcorp Genetics (formerly Invitae), Labcorp); PubMed 9536098 (cited by Labcorp Genetics (formerly Invitae), Labcorp).

NM_004366.6(CLCN2):c.63+4A>G

Genes: CLCN2 (chloride voltage-gated channel 2; minus strand), LOC129938055 (ATAC-STARR-seq lymphoblastoid silent region 14964; plus strand). Cytogenetic location: 3q27.1.
Variant type: single nucleotide variant.
Coding change: c.63+4A>G on transcript NM_004366.6 (MANE Select); 4 bases into the intron after coding-DNA position 63, A replaced by G.
Molecular consequence: intron variant.
Genome position (GRCh38, 1-based): chr3:184,361,413, T>C on the plus strand (A>G on the coding strand, the complement: CLCN2 is on the minus strand). VCF-style: chr3-184361413-T-C. GRCh37 (hg19) VCF-style: chr3-184079201-T-C.
Other names: p.?; c.63+4A>G (NM_001171088.3, NM_001171087.3, NM_001171089.3).
Identifiers: ClinVar variation 1958391 (VCV001958391.7), dbSNP rs758326249, ClinGen allele CA2734627.